The following is an entry in ClinVar:

ClinVar aggregate classification (germline): Conflicting classifications of pathogenicity. Review status: criteria provided, conflicting classifications (1 of 4 stars). 2 submissions from 2 submitters: Uncertain significance (1); Likely benign (1). Last evaluated 2025-10-07.

Conditions:
Cardiovascular phenotype. Identifiers: MedGen CN230736.
Long QT syndrome (LQTS). Identifiers: MedGen C0023976, MeSH D008133, MONDO:0002442. Disease mechanism: loss of function. Inheritance: Various modes of inheritance.

Allele frequency attached by ClinVar (database versions not stated): TOPMed below 0.00001; gnomAD exomes 0.00001; gnomAD 0.00001; ExAC 0.00002.
gnomAD v4.1: 13 of 1,594,568 alleles (0.00082%); highest among the groups gnomAD compares: Admixed American, 0.014%; no homozygotes.

Submissions (2):

Ambry Genetics
Classification: Likely benign for Cardiovascular phenotype. Last evaluated: 2025-10-07. Review status: criteria provided, single submitter. Criteria: Ambry Variant Classification Scheme 2023. Collection method: clinical testing. Allele origin: germline.

Labcorp Genetics (formerly Invitae), Labcorp
Classification: Uncertain significance for Long QT syndrome. Last evaluated: 2023-02-22. Review status: criteria provided, single submitter. Criteria: Invitae Variant Classification Sherloc (09022015). Collection method: clinical testing. Allele origin: germline.
Comment: This variant is present in population databases (rs745346171, gnomAD 0.02%). This variant has not been reported in the literature in individuals affected with AKAP9-related conditions. This sequence change replaces arginine, which is basic and polar, with serine, which is neutral and polar, at codon 2607 of the AKAP9 protein (p.Arg2607Ser). In summary, the available evidence is currently insufficient to determine the role of this variant in disease. Therefore, it has been classified as a Variant of Uncertain Significance. An algorithm developed to predict the effect of missense changes on protein structure and function (PolyPhen-2) suggests that this variant is likely to be disruptive. ClinVar contains an entry for this variant (Variation ID: 1760776).

NM_005751.5(AKAP9):c.7821A>T (p.Arg2607Ser)

Gene: AKAP9 (A-kinase anchoring protein 9; plus strand). Cytogenetic location: 7q21.2.
Variant type: single nucleotide variant.
Coding change: c.7821A>T on transcript NM_005751.5 (MANE Select); coding-DNA position 7821, A replaced by T.
Protein change: p.Arg2607Ser; replaces arginine 2607 with serine.
Molecular consequence: missense variant.
Genome position (GRCh38, 1-based): chr7:92,079,954, A>T. VCF-style: chr7-92079954-A-T. GRCh37 (hg19) VCF-style: chr7-91709268-A-T.
Other names: c.2466A>T, p.Arg822Ser (NM_001379277.1); c.7797A>T, p.Arg2599Ser (NM_147185.3); short protein forms R2599S, R2607S, R822S.
Identifiers: ClinVar variation 1760776 (VCV001760776.9), dbSNP rs745346171, ClinGen allele CA4337354.